The following is an entry in ClinVar:

ClinVar aggregate classification (germline): Benign/Likely benign. Review status: criteria provided, multiple submitters, no conflicts (2 of 4 stars). 4 submissions from 4 submitters: Benign (2); Likely benign (2). Last evaluated 2026-09-01.

Conditions:
Myopathy, tubular aggregate, 2 (TAM2). Identifiers: MedGen C4014557, MONDO:0014383, OMIM 615883.
Combined immunodeficiency due to ORAI1 deficiency. Also called: IMMUNODEFICIENCY 9. Identifiers: Orphanet 169090, Orphanet 317428, MedGen C2748568, MONDO:0013007, OMIM 612782.

Allele frequency attached by ClinVar (database versions not stated): gnomAD 0.00402 and 0.00413; gnomAD exomes 0.00455 and 0.00571; ExAC 0.00482.

Submissions (4):

CeGaT Center for Human Genetics Tuebingen
Classification: Likely benign. Last evaluated: 2026-09-01. Review status: criteria provided, single submitter. Criteria: CeGaT Center For Human Genetics Tuebingen Variant Classification Criteria Version 2. Collection method: clinical testing. Allele origin: germline. Affected: yes. Observed: 23 variant alleles.
Comment: ORAI1: BP4, BS2

Labcorp Genetics (formerly Invitae), Labcorp
Classification: Benign for Myopathy, tubular aggregate, 2; Combined immunodeficiency due to ORAI1 deficiency. Last evaluated: 2026-02-02. Review status: criteria provided, single submitter. Criteria: Invitae Variant Classification Sherloc (09022015). Collection method: clinical testing. Allele origin: germline.

Fulgent Genetics
Classification: Likely benign for Combined immunodeficiency due to ORAI1 deficiency; Myopathy, tubular aggregate, 2. Last evaluated: 2021-09-21. Review status: criteria provided, single submitter. Criteria: ACMG Guidelines, 2015. Collection method: clinical testing. Allele origin: unknown.

Breakthrough Genomics
Classification: Benign. Review status: criteria provided, single submitter. Criteria: ACMG Guidelines, 2015. Collection method: not provided. Allele origin: germline. Inheritance: Autosomal recessive inheritance. Affected: yes.

NM_032790.4(ORAI1):c.132A>G (p.Pro44=)

Genes: ORAI1 (ORAI calcium release-activated calcium modulator 1; plus strand), LOC130008987 (ATAC-STARR-seq lymphoblastoid silent region 4981; plus strand). Cytogenetic location: 12q24.31.
Variant type: single nucleotide variant.
Coding change: c.132A>G on transcript NM_032790.4 (MANE Select); coding-DNA position 132, A replaced by G.
Protein change: p.Pro44=; no amino-acid change (proline 44 retained).
Genome position (GRCh38, 1-based): chr12:121,626,879, A>G. VCF-style: chr12-121626879-A-G. GRCh37 (hg19) VCF-style: chr12-122064785-A-G.
Identifiers: ClinVar variation 779605 (VCV000779605.40), dbSNP rs554617167, ClinGen allele CA244608420.